The following is an entry in ClinVar:

NM_032806.6(POMGNT2):c.817_818del (p.Glu273fs)

Gene: POMGNT2 (protein O-linked mannose N-acetylglucosaminyltransferase 2 (beta 1,4-); minus strand). Cytogenetic location: 3p22.1.
Variant type: Deletion.
Coding change: c.817_818del on transcript NM_032806.6 (MANE Select); coding-DNA positions 817 to 818, 2 bases deleted (GA; older notation c.817_818delGA).
Protein change: p.Glu273fs; shifts the reading frame from glutamic acid 273.
Molecular consequence: frameshift variant.
Genome position (GRCh38, 1-based): chr3:43,080,614-43,080,615, TC deleted on the plus strand (GA on the coding strand, the reverse complement: POMGNT2 is on the minus strand); deleting any 2 consecutive bases within chr3:43,080,614-43,080,616 gives the same sequence; the c. name uses the placement nearest the transcript's 3' end. VCF-style (leftmost placement, unchanged base first): chr3-43080613-TTC-T. GRCh37 (hg19) VCF-style: chr3-43122105-TTC-T.
Other names: short protein forms E273fs.
Identifiers: ClinVar variation 2142831 (VCV002142831.4), dbSNP rs2089842285, ClinGen allele CA1047303991.

ClinVar aggregate classification (germline): Pathogenic (1 of 4 stars; one submission).

Conditions:
Muscular dystrophy-dystroglycanopathy (congenital with brain and eye anomalies), type a, 8 (MDDGA8). Also called: WALKER-WARBURG SYNDROME OR MUSCLE-EYE-BRAIN DISEASE, GTDC2-RELATED. Identifiers: Orphanet 899, MedGen C3553813, MONDO:0013904, OMIM 614830.

Submission:

Labcorp Genetics (formerly Invitae), Labcorp
Classification: Pathogenic for Muscular dystrophy-dystroglycanopathy (congenital with brain and eye anomalies), type a, 8. Last evaluated: 2022-03-18. Review status: criteria provided, single submitter. Criteria: Invitae Variant Classification Sherloc (09022015). Collection method: clinical testing. Allele origin: germline.
Comment: For these reasons, this variant has been classified as Pathogenic. This variant disrupts a region of the POMGNT2 protein in which other variant(s) (p.Glu519*) have been determined to be pathogenic (Invitae). This suggests that this is a clinically significant region of the protein, and that variants that disrupt it are likely to be disease-causing. This variant has not been reported in the literature in individuals affected with POMGNT2-related conditions. This variant is not present in population databases (gnomAD no frequency). This sequence change creates a premature translational stop signal (p.Glu273Lysfs*20) in the POMGNT2 gene. While this is not anticipated to result in nonsense mediated decay, it is expected to disrupt the last 308 amino acid(s) of the POMGNT2 protein.